The following is an entry in ClinVar:

ClinVar aggregate classification (germline): Uncertain significance (1 of 4 stars; one submission).

Submission:

GeneDx
Classification: Uncertain significance. Last evaluated: 2026-02-12. Review status: criteria provided, single submitter. Criteria: GeneDx Variant Classification Process June 2021. Collection method: clinical testing. Allele origin: germline.
Comment: Not observed at significant frequency in large population cohorts (gnomAD); In silico analysis supports that this missense variant has a deleterious effect on protein structure/function; Has not been previously published as pathogenic or benign to our knowledge

NM_032482.3(DOT1L):c.647A>C (p.Tyr216Ser)

Gene: DOT1L (DOT1 like histone lysine methyltransferase; plus strand). Cytogenetic location: 19p13.3.
Variant type: single nucleotide variant.
Coding change: c.647A>C on transcript NM_032482.3 (MANE Select); coding-DNA position 647, A replaced by C.
Protein change: p.Tyr216Ser; replaces tyrosine 216 with serine.
Molecular consequence: missense variant.
Genome position (GRCh38, 1-based): chr19:2,194,573, A>C. VCF-style: chr19-2194573-A-C. GRCh37 (hg19) VCF-style: chr19-2194572-A-C.
Other names: c.647A>C, p.Tyr216Ser (NM_001411141.1); short protein forms Y216S.
Identifiers: ClinVar variation 4975389 (VCV004975389.1).